The following is an entry in ClinVar:

NM_052867.4(NALCN):c.4709A>T (p.Gln1570Leu)

Gene: NALCN (sodium leak channel, non-selective; minus strand). Cytogenetic location: 13q32.3.
Variant type: single nucleotide variant.
Coding change: c.4709A>T on transcript NM_052867.4 (MANE Select); coding-DNA position 4709, A replaced by T.
Protein change: p.Gln1570Leu; replaces glutamine 1570 with leucine.
Molecular consequence: missense variant.
Genome position (GRCh38, 1-based): chr13:101,062,014, T>A on the plus strand (A>T on the coding strand, the complement: NALCN is on the minus strand). VCF-style: chr13-101062014-T-A. GRCh37 (hg19) VCF-style: chr13-101714366-T-A.
Other names: c.4796A>T, p.Gln1599Leu (NM_001350748.2); c.4709A>T, p.Gln1570Leu (NM_001350749.2); c.4622A>T, p.Gln1541Leu (NM_001350750.2, NM_001350751.2); short protein forms Q1541L, Q1570L, Q1599L.
Identifiers: ClinVar variation 1305597 (VCV001305597.4), dbSNP rs2139408532, ClinGen allele CA388644429.
Genomic context (GRCh38, chr13:101,062,014, plus strand): 5'-TGCAGTTCACTCACAGCTCTGATGCGCTTCAGGCACTTCTTGAGCCACATGCGGATGGTC[T>A]GCTTGGCCACCTCCTCCTCTATGGTGTACTCCAGCTGCTCCCTCGCCAGGAGTTCCTCCA-3'
Protein context (NP_443099.1, residues 1560-1580): EYTIEEEVAK[Gln1570Leu]TIRMWLKKCL

ClinVar aggregate classification (germline): Uncertain significance (1 of 4 stars; one submission).

Allele frequency attached by ClinVar (database versions not stated): gnomAD exomes below 0.00001.
gnomAD v4.1: 3 of 1,614,166 alleles (0.00019%); highest among the groups gnomAD compares: Non-Finnish European, 0.00025%; no homozygotes.

Submission:

GeneDx
Classification: Uncertain significance. Last evaluated: 2024-08-04. Review status: criteria provided, single submitter. Criteria: GeneDx Variant Classification Process June 2021. Collection method: clinical testing. Allele origin: germline. Affected: yes.
Comment: Not observed at significant frequency in large population cohorts (gnomAD); In silico analysis supports that this missense variant has a deleterious effect on protein structure/function; Has not been previously published as pathogenic or benign to our knowledge